The following is an entry in ClinVar:

ClinVar aggregate classification (germline): Uncertain significance (1 of 4 stars; one submission).

Conditions:
Inborn genetic diseases. Identifiers: MedGen C0950123, MeSH D030342.

gnomAD v4.1: 11 of 1,614,192 alleles (0.00068%); highest among the groups gnomAD compares: Non-Finnish European, 0.00093%; no homozygotes.

Submission:

Ambry Genetics
Classification: Uncertain significance for Inborn genetic diseases. Last evaluated: 2025-09-01. Review status: criteria provided, single submitter. Criteria: Ambry Variant Classification Scheme 2023. Collection method: clinical testing. Allele origin: germline.
Comment: The p.L288V variant (also known as c.862C>G), located in coding exon 9 of the ASXL1 gene, results from a C to G substitution at nucleotide position 862. The leucine at codon 288 is replaced by valine, an amino acid with highly similar properties. This amino acid position is conserved. In addition, this alteration is predicted to be deleterious by in silico analysis. Based on the available evidence, the clinical significance of this variant remains unclear.

NM_015338.6(ASXL1):c.862C>G (p.Leu288Val)

Gene: ASXL1 (ASXL transcriptional regulator 1; plus strand). Cytogenetic location: 20q11.21.
Variant type: single nucleotide variant.
Coding change: c.862C>G on transcript NM_015338.6 (MANE Select); coding-DNA position 862, C replaced by G.
Protein change: p.Leu288Val; replaces leucine 288 with valine.
Molecular consequence: missense variant.
Genome position (GRCh38, 1-based): chr20:32,431,464, C>G. VCF-style: chr20-32431464-C-G. GRCh37 (hg19) VCF-style: chr20-31019267-C-G.
Other names: c.679C>G, p.Leu227Val (NM_001363734.1); short protein forms L227V, L288V.
Identifiers: ClinVar variation 4159407 (VCV004159407.1).